The following is an entry in ClinVar:

ClinVar aggregate classification (germline): Likely benign (1 of 4 stars; one submission).

Submission:

CeGaT Center for Human Genetics Tuebingen
Classification: Likely benign. Last evaluated: 2026-08-01. Review status: criteria provided, single submitter. Criteria: CeGaT Center For Human Genetics Tuebingen Variant Classification Criteria Version 2. Collection method: clinical testing. Allele origin: germline. Affected: yes. Observed: 6 variant alleles.
Comment: RNU4-2: BS1

NR_003137.3(RNU4-2):n.134T>C

Gene: RNU4-2 (RNA, U4 small nuclear 2; minus strand). Cytogenetic location: 12q24.23.
Variant type: single nucleotide variant.
Molecular consequence: non-coding transcript variant (on NR_003137.3).
Genome position: GRCh38 VCF-style: chr12-120291770-A-G. GRCh37 (hg19) VCF-style: chr12-120729573-A-G.
Identifiers: ClinVar variation 3905699 (VCV003905699.10).